The following is an entry in ClinVar:

ClinVar aggregate classification (germline): Conflicting classifications of pathogenicity. Review status: criteria provided, conflicting classifications (1 of 4 stars). 5 submissions from 5 submitters: Uncertain significance (1); Likely benign (4). Last evaluated 2026-06-01.

Allele frequency attached by ClinVar (database versions not stated): 1000 Genomes Project 0.00140; 1000 Genomes Project 30x 0.00141; TOPMed 0.00237; gnomAD exomes 0.00260 and 0.00354; gnomAD 0.00263 and 0.00266; ExAC 0.00279; ESP Exome Variant Server 0.00300.
gnomAD v4.1: 5,535 of 1,610,774 alleles (0.34%); highest among the groups gnomAD compares: Non-Finnish European, 0.43%; 13 homozygotes.

Submissions (5):

CeGaT Center for Human Genetics Tuebingen
Classification: Likely benign. Last evaluated: 2026-06-01. Review status: criteria provided, single submitter. Criteria: CeGaT Center For Human Genetics Tuebingen Variant Classification Criteria Version 2. Collection method: clinical testing. Allele origin: germline. Affected: yes. Observed: 25 variant alleles.
Comment: CRBN: BS2

Blueprint Genetics
Classification: Likely benign. Last evaluated: 2024-11-21. Review status: criteria provided, single submitter. Criteria: ACMG Guidelines, 2015. Collection method: clinical testing. Allele origin: germline.

Labcorp Genetics (formerly Invitae), Labcorp
Classification: Likely benign. Last evaluated: 2019-12-31. Review status: criteria provided, single submitter. Criteria: Invitae Variant Classification Sherloc (09022015). Collection method: clinical testing. Allele origin: germline.

Genetic Services Laboratory, University of Chicago
Classification: Likely benign. Last evaluated: 2016-10-29. Review status: criteria provided, single submitter. Criteria: ACMG Guidelines, 2015. Collection method: clinical testing. Allele origin: germline. Affected: no.

Center for Pediatric Genomic Medicine, Children's Mercy Hospital and Clinics
Classification: Uncertain significance. Last evaluated: 2016-04-12. Review status: criteria provided, single submitter. Criteria: ACMG Guidelines, 2015. Collection method: clinical testing. Allele origin: germline.
ClinVar note: Converted during submission from Uncertain Significance to Uncertain significance.

NM_016302.4(CRBN):c.88G>A (p.Glu30Lys)

Gene: CRBN (cereblon; minus strand). Cytogenetic location: 3p26.2.
Variant type: single nucleotide variant.
Coding change: c.88G>A on transcript NM_016302.4 (MANE Select); coding-DNA position 88, G replaced by A.
Protein change: p.Glu30Lys; replaces glutamic acid 30 with lysine.
Molecular consequence: missense variant.
Genome position (GRCh38, 1-based): chr3:3,175,249, C>T on the plus strand (G>A on the coding strand, the complement: CRBN is on the minus strand). VCF-style: chr3-3175249-C-T. GRCh37 (hg19) VCF-style: chr3-3216933-C-T.
Other names: c.85G>A, p.Glu29Lys (NM_001173482.1); short protein forms E30K, E29K.
Identifiers: ClinVar variation 210764 (VCV000210764.48), dbSNP rs78564552, ClinGen allele CA206506.